The following is an entry in ClinVar:

NM_000123.4(ERCC5):c.120del (p.Gly41fs)

Genes: BIVM-ERCC5 (BIVM-ERCC5 readthrough; plus strand), ERCC5 (ERCC excision repair 5, endonuclease; plus strand). Cytogenetic location: 13q33.1.
Variant type: Deletion.
Coding change: c.120del on transcript NM_000123.4 (MANE Select); coding-DNA position 120, one base deleted (A; older notation c.120delA).
Protein change: p.Gly41fs; shifts the reading frame from glycine 41.
Molecular consequence: frameshift variant.
Genome position (GRCh38, 1-based): chr13:102,852,149, A deleted; the last of 3 consecutive A bases (chr13:102,852,147-102,852,149); deleting any one gives the same sequence. VCF-style (leftmost placement, unchanged base first): chr13-102852146-TA-T. GRCh37 (hg19) VCF-style: chr13-103504496-TA-T.
Other names: c.1482del, p.Gly495fs (NM_001204425.2); c.120delA (NM_000123.4); short protein forms G41fs, G495fs.
Identifiers: ClinVar variation 3769228 (VCV003769228.2).

ClinVar aggregate classification (germline): Pathogenic (1 of 4 stars; one submission).

Conditions:
Cerebrooculofacioskeletal syndrome 3 (COFS3). Identifiers: MedGen C1851443, MONDO:0014696, OMIM 616570.

Submission:

Women's Health and Genetics/Laboratory Corporation of America, LabCorp
Classification: Pathogenic for Cerebrooculofacioskeletal syndrome 3. Last evaluated: 2025-01-07. Review status: criteria provided, single submitter. Criteria: LabCorp Variant Classification Summary - May 2015. Collection method: clinical testing. Allele origin: germline.
Comment: Variant summary: ERCC5 c.120delA (p.Gly41GlufsX10) results in a premature termination codon, predicted to cause absence of the protein due to nonsense mediated decay, which is a commonly known mechanism for disease. The variant was absent in 251362 control chromosomes. To our knowledge, no occurrence of c.120delA in individuals affected with Cerebrooculofacioskeletal Syndrome 3 and no experimental evidence demonstrating its impact on protein function have been reported. No submitters have cited clinical-significance assessments for this variant to ClinVar. Based on the evidence outlined above, the variant was classified as pathogenic.